The following is an entry in ClinVar:

ClinVar aggregate classification (germline): Uncertain significance. Review status: criteria provided, multiple submitters, no conflicts (2 of 4 stars). 3 submissions from 3 submitters: Uncertain significance (3). Last evaluated 2024-08-06.

Conditions:
Hereditary cancer-predisposing syndrome. Also called: Hereditary neoplastic syndrome; Tumor predisposition; Neoplastic Syndromes, Hereditary; Hereditary Cancer Syndrome. Identifiers: Orphanet 140162, MedGen C0027672, MeSH D009386, MONDO:0015356.
Familial cancer of breast. Also called: Hereditary breast cancer; BREAST CANCER, FAMILIAL; hereditary breast carcinoma. Identifiers: Orphanet 227535, MedGen C0346153, MONDO:0016419, OMIM 114480. Disease mechanism: loss of function.

Submissions (3):

Labcorp Genetics (formerly Invitae), Labcorp
Classification: Uncertain significance for Familial cancer of breast. Last evaluated: 2024-08-06. Review status: criteria provided, single submitter. Criteria: Invitae Variant Classification Sherloc (09022015). Collection method: clinical testing. Allele origin: germline.
Comment: This sequence change replaces phenylalanine, which is neutral and non-polar, with leucine, which is neutral and non-polar, at codon 169 of the CHEK2 protein (p.Phe169Leu). This variant is not present in population databases (gnomAD no frequency). This missense change has been observed in individual(s) with CHEK2-related conditions (PMID: 34903604). ClinVar contains an entry for this variant (Variation ID: 418128). An algorithm developed to predict the effect of missense changes on protein structure and function (PolyPhen-2) suggests that this variant is likely to be disruptive. Experimental studies have shown that this missense change affects CHEK2 function (PMID: 34903604). In summary, the available evidence is currently insufficient to determine the role of this variant in disease. Therefore, it has been classified as a Variant of Uncertain Significance.

Ambry Genetics
Classification: Uncertain significance for Hereditary cancer-predisposing syndrome. Last evaluated: 2023-07-18. Review status: criteria provided, single submitter. Criteria: Ambry Variant Classification Scheme 2023. Collection method: clinical testing. Allele origin: germline.
Comment: The p.F169L variant (also known as c.505T>C), located in coding exon 3 of the CHEK2 gene, results from a T to C substitution at nucleotide position 505. The phenylalanine at codon 169 is replaced by leucine, an amino acid with highly similar properties. This amino acid position is highly conserved in available vertebrate species. In addition, the in silico prediction for this alteration is inconclusive. Since supporting evidence is limited at this time, the clinical significance of this alteration remains unclear.

GeneDx
Classification: Uncertain significance. Last evaluated: 2014-10-16. Review status: criteria provided, single submitter. Criteria: GeneDx Variant Classification (06012015). Collection method: clinical testing. Allele origin: germline. Affected: yes.
Comment: This variant is denoted CHEK2 c.505T>C at the cDNA level, p.Phe169Leu (F169L) at the protein level, and results in the change of a Phenylalanine to a Leucine (TTT>CTT). This variant has not, to our knowledge, been published in the literature as pathogenic or benign. CHEK2 Phe169Leu was not observed in approximately 6,500 individuals of European and African American ancestry in the NHLBI Exome Sequencing Project, indicating it is not a common benign variant in these populations. Since Phenylalanine and Leucine share similar properties, this is considered a conservative amino acid substitution. CHEK2 Phe169Leu occurs at a position that is well conserved across species and is located in the Forkhead associated (FHA) domain (UniProt). In silico analyses predict that this variant is probably damaging to protein structure and function. Based on currently available information, it is unclear whether CHEK2 Phe169Leu is pathogenic or benign. We consider it to be a variant of uncertain significance.

Literature cited by the submitters: PubMed 34903604 (cited by Labcorp Genetics (formerly Invitae), Labcorp).

NM_007194.4(CHEK2):c.505T>C (p.Phe169Leu)

Gene: CHEK2 (checkpoint kinase 2; minus strand). Cytogenetic location: 22q12.1.
Variant type: single nucleotide variant.
Coding change: c.505T>C on transcript NM_007194.4 (MANE Select); coding-DNA position 505, T replaced by C.
Protein change: p.Phe169Leu; replaces phenylalanine 169 with leucine.
Molecular consequence: missense variant. On other transcripts: 5 prime UTR variant (2), intron variant (1).
Genome position (GRCh38, 1-based): chr22:28,725,064, A>G on the plus strand (T>C on the coding strand, the complement: CHEK2 is on the minus strand). VCF-style: chr22-28725064-A-G. GRCh37 (hg19) VCF-style: chr22-29121052-A-G.
Other names: c.634T>C, p.Phe212Leu (NM_001005735.3, NM_001438294.1); c.-273T>C (NM_001257387.3); c.-159T>C (NM_001437942.1); c.598T>C, p.Phe200Leu (NM_001438293.1, NM_001438295.1); c.505T>C, p.Phe169Leu (NM_145862.3); c.445-141T>C (NM_001349956.3); short protein forms F169L, F212L, F200L.
Identifiers: ClinVar variation 418128 (VCV000418128.7), dbSNP rs876659653, ClinGen allele CA16621075.